The following is an entry in ClinVar:

ClinVar aggregate classification (germline): Uncertain significance (1 of 4 stars; one submission).

Submission:

Medical Genetic Center, Changzhi Maternal and Child Health Care Hospital
Classification: Uncertain significance. Last evaluated: 2025-12-10. Review status: criteria provided, single submitter. Criteria: ACMG/ClinGen CNV Guidelines, 2019. Collection method: clinical testing. Allele origin: unknown.
Comment: 16p13.11 recurrent region (BP2-BP3) (includes MYH11) (TS=2)

GRCh38/hg38 16p13.11(chr16:14964966-16414266)x3

Genes: ABCC1 (ATP binding cassette subfamily C member 1 (ABCC1 blood group); plus strand), ABCC6 (ATP binding cassette subfamily C member 6; minus strand), BMERB1 (bMERB domain containing 1; plus strand), CEP20 (centrosomal protein 20; minus strand), MARF1 (meiosis regulator and mRNA stability factor 1; minus strand) and 43 more. Cytogenetic location: 16p13.11.
Variant type: copy number gain.
Change: copy number 3 (three copies instead of two) of chr16:14,964,966-16,414,266 (1.45 Mb, GRCh38 coordinates, 1-based), cytogenetic band 16p13.11.
Identifiers: ClinVar variation 4796196 (VCV004796196.1).